The following is an entry in ClinVar:

ClinVar aggregate classification (germline): Conflicting classifications of pathogenicity. Review status: criteria provided, conflicting classifications (1 of 4 stars). 2 submissions from 2 submitters: Uncertain significance (1); Likely benign (1). Last evaluated 2023-07-26.

Submissions (2):

Labcorp Genetics (formerly Invitae), Labcorp
Classification: Uncertain significance. Last evaluated: 2023-07-26. Review status: criteria provided, single submitter. Criteria: Invitae Variant Classification Sherloc (09022015). Collection method: clinical testing. Allele origin: germline.
Comment: In summary, the available evidence is currently insufficient to determine the role of this variant in disease. Therefore, it has been classified as a Variant of Uncertain Significance. This sequence change affects codon 204 of the NOG mRNA. It is a 'silent' change, meaning that it does not change the encoded amino acid sequence of the NOG protein. This variant is not present in population databases (gnomAD no frequency). This variant has not been reported in the literature in individuals affected with NOG-related conditions.

Blueprint Genetics
Classification: Likely benign. Last evaluated: 2022-11-08. Review status: criteria provided, single submitter. Criteria: ACMG Guidelines, 2015. Collection method: clinical testing. Allele origin: germline.

NM_005450.6(NOG):c.612G>C (p.Arg204=)

Gene: NOG (noggin; plus strand). Cytogenetic location: 17q22.
Variant type: single nucleotide variant.
Coding change: c.612G>C on transcript NM_005450.6 (MANE Select); coding-DNA position 612, G replaced by C.
Protein change: p.Arg204=; no amino-acid change (arginine 204 retained).
Molecular consequence: synonymous variant.
Genome position (GRCh38, 1-based): chr17:56,594,835, G>C. VCF-style: chr17-56594835-G-C. GRCh37 (hg19) VCF-style: chr17-54672196-G-C.
Identifiers: ClinVar variation 2747294 (VCV002747294.4), dbSNP rs2545137907, ClinGen allele CA500753470.